The following is an entry in ClinVar:

NM_001244008.2(KIF1A):c.4495C>T (p.Arg1499Trp)

Gene: KIF1A (kinesin family member 1A; minus strand). Cytogenetic location: 2q37.3.
Variant type: single nucleotide variant.
Coding change: c.4495C>T on transcript NM_001244008.2 (MANE Select); coding-DNA position 4495, C replaced by T.
Protein change: p.Arg1499Trp; replaces arginine 1499 with tryptophan.
Molecular consequence: missense variant.
Genome position (GRCh38, 1-based): chr2:240,722,626, G>A on the plus strand (C>T on the coding strand, the complement: KIF1A is on the minus strand). VCF-style: chr2-240722626-G-A. GRCh37 (hg19) VCF-style: chr2-241662043-G-A.
Other names: c.4192C>T (NM_004321.6); c.4219C>T, p.Arg1407Trp (NM_001320705.2, NM_001379649.1); c.4246C>T, p.Arg1416Trp (NM_001330289.2); c.4294C>T, p.Arg1432Trp (NM_001330290.2, NM_001379648.1); c.4570C>T, p.Arg1524Trp (NM_001379631.1); c.4471C>T, p.Arg1491Trp (NM_001379632.1); c.4468C>T, p.Arg1490Trp (NM_001379633.1, NM_001379645.1); c.4321C>T, p.Arg1441Trp (NM_001379634.1); and 8 more; short protein forms R1397W, R1407W, R1415W, R1441W, R1490W, R1398W, R1416W, R1432W.
Identifiers: ClinVar variation 2057573 (VCV002057573.6), dbSNP rs369675421, ClinGen allele CA2207400.

ClinVar aggregate classification (germline): Conflicting classifications of pathogenicity. Review status: criteria provided, conflicting classifications (1 of 4 stars). 2 submissions from 2 submitters: Uncertain significance (1); Likely benign (1). Last evaluated 2025-05-15.

Conditions:
Hereditary spastic paraplegia 30. Identifiers: Orphanet 101010, MedGen C5235139, MONDO:0012476.
Neuropathy, hereditary sensory, type 2C. Also called: Hereditary sensory and autonomic neuropathy type IIC; KIF1A-Related HSAN2 (HSAN2C). Identifiers: Orphanet 970, MedGen C3280168, MONDO:0013634, OMIM 614213.
Intellectual disability, autosomal dominant 9 (NESCAVS). Also called: KIF1A-Related Neurodevelopmental Disorder; NESCAV SYNDROME. Identifiers: Orphanet 662367, MedGen C5393830, MONDO:0013656, OMIM 614255.

Allele frequency attached by ClinVar (database versions not stated): gnomAD 0.00001; TOPMed 0.00001; ESP Exome Variant Server 0.00008; ExAC 0.00011.
gnomAD v4.1: 20 of 1,559,296 alleles (0.0013%); highest among the groups gnomAD compares: Non-Finnish European, 0.0016%; no homozygotes.

Submissions (2):

GeneDx
Classification: Uncertain significance. Last evaluated: 2025-05-15. Review status: criteria provided, single submitter. Criteria: GeneDx Variant Classification Process June 2021. Collection method: clinical testing. Allele origin: germline.
Comment: In silico analysis supports that this missense variant has a deleterious effect on protein structure/function; Has not been previously published as pathogenic or benign to our knowledge

Labcorp Genetics (formerly Invitae), Labcorp
Classification: Likely benign for Hereditary spastic paraplegia 30; Neuropathy, hereditary sensory, type 2C; Intellectual disability, autosomal dominant 9. Last evaluated: 2024-09-27. Review status: criteria provided, single submitter. Criteria: Invitae Variant Classification Sherloc (09022015). Collection method: clinical testing. Allele origin: germline.